The following is an entry in ClinVar:

NM_000219.6(KCNE1):c.184A>C (p.Met62Leu)

Gene: KCNE1 (potassium voltage-gated channel subfamily E regulatory subunit 1; minus strand). Cytogenetic location: 21q22.12.
Variant type: single nucleotide variant.
Coding change: c.184A>C on transcript NM_000219.6 (MANE Select); coding-DNA position 184, A replaced by C.
Protein change: p.Met62Leu; replaces methionine 62 with leucine.
Molecular consequence: missense variant.
Genome position (GRCh38, 1-based): chr21:34,449,451, T>G on the plus strand (A>C on the coding strand, the complement: KCNE1 is on the minus strand). VCF-style: chr21-34449451-T-G. GRCh37 (hg19) VCF-style: chr21-35821749-T-G.
Other names: c.184A>C, p.Met62Leu (NM_001127668.4, NM_001127669.4, NM_001127670.4 and 4 more transcripts); short protein forms M62L.
Identifiers: ClinVar variation 3374267 (VCV003374267.2).

Conditions:
Long QT syndrome 5 (LQT5). Identifiers: Orphanet 101016, Orphanet 768, MedGen C1867904, MONDO:0013372, OMIM 613695.

Submission:

Roden Lab, Vanderbilt University Medical Center
No classification provided (evidence only). Condition: Long QT syndrome 5. Review status: no classification provided. Collection method: in vitro. Allele origin: not applicable. Functional consequence: Effect on ion channel function.
ClinVar note: "not provided" was previously submitted as the classification for the variant. However, the classification appeared to be based only on an observation of functional data so it was converted to no classification on 2025-07-30.